The following is an entry in ClinVar:

NM_006759.4(UGP2):c.1311G>A (p.Thr437=)

Gene: UGP2 (UDP-glucose pyrophosphorylase 2; plus strand). Cytogenetic location: 2p15.
Variant type: single nucleotide variant.
Coding change: c.1311G>A on transcript NM_006759.4 (MANE Select); coding-DNA position 1311, G replaced by A.
Protein change: p.Thr437=; no amino-acid change (threonine 437 retained).
Molecular consequence: synonymous variant.
Genome position (GRCh38, 1-based): chr2:63,887,641, G>A. VCF-style: chr2-63887641-G-A. GRCh37 (hg19) VCF-style: chr2-64114775-G-A.
Other names: c.1278G>A, p.Thr426= (NM_001001521.2, NM_001377524.1, NM_001377525.1); c.951G>A, p.Thr317= (NM_001377526.1, NM_001377527.1, NM_001377528.1 and 1 more transcripts).
Identifiers: ClinVar variation 2651001 (VCV002651001.24), dbSNP rs372266567, ClinGen allele CA1683416.
Genomic context (GRCh38, chr2:63,887,641, plus strand): 5'-AATGAGTGAAAAGCGGGAATTTCCTACAGTGCCCTTGGTTAAATTAGGCAGTTCTTTTAC[G>A]AAGGTACGTAACTATAAAGATATGTGAGTTCATATTTCTTAAATGTGTAATTATAAAGAT-3'
Protein context (NP_006750.3, residues 427-447): VPLVKLGSSF[Thr437=]KVQDYLRRFE

ClinVar aggregate classification (germline): Likely benign (1 of 4 stars; one submission).

Allele frequency attached by ClinVar (database versions not stated): ESP Exome Variant Server 0.00008; TOPMed 0.00008; gnomAD 0.00030; 1000 Genomes Project 30x 0.00078; 1000 Genomes Project 0.00100.

Submission:

CeGaT Center for Human Genetics Tuebingen
Classification: Likely benign. Last evaluated: 2022-06-01. Review status: criteria provided, single submitter. Criteria: CeGaT Center For Human Genetics Tuebingen Variant Classification Criteria Version 2. Collection method: clinical testing. Allele origin: germline. Affected: yes. Observed: 1 variant allele.
Comment: UGP2: BP4, BP7